The following is an entry in ClinVar:

ClinVar aggregate classification (germline): Benign/Likely benign. Review status: criteria provided, multiple submitters, no conflicts (2 of 4 stars). 2 submissions from 2 submitters: Benign (1); Likely benign (1). Last evaluated 2025-02-24.

Conditions:
Breast-ovarian cancer, familial, susceptibility to, 4. Identifiers: Orphanet 145, MedGen C3280345, MONDO:0013669, OMIM 614291.

Submissions (2):

Myriad Genetics, Inc.
Classification: Benign for Breast-ovarian cancer, familial, susceptibility to, 4. Last evaluated: 2025-02-24. Review status: criteria provided, single submitter. Criteria: Myriad Autosomal Dominant, Autosomal Recessive and X-Linked Classification Criteria (2023). Collection method: clinical testing. Allele origin: unknown.
Comment: This variant is considered benign. This variant is a silent/synonymous amino acid change and it is not expected to impact splicing.

Labcorp Genetics (formerly Invitae), Labcorp
Classification: Likely benign for Breast-ovarian cancer, familial, susceptibility to, 4. Last evaluated: 2022-05-13. Review status: criteria provided, single submitter. Criteria: Invitae Variant Classification Sherloc (09022015). Collection method: clinical testing. Allele origin: germline.

NM_002878.4(RAD51D):c.516A>C (p.Ala172=)

Genes: RAD51D (RAD51 paralog D; minus strand), RAD51L3-RFFL (RAD51L3-RFFL readthrough; minus strand). Cytogenetic location: 17q12.
Variant type: single nucleotide variant.
Coding change: c.516A>C on transcript NM_002878.4 (MANE Select); coding-DNA position 516, A replaced by C.
Protein change: p.Ala172=; no amino-acid change (alanine 172 retained).
Molecular consequence: synonymous variant. On other transcripts: non-coding transcript variant (3).
Genome position (GRCh38, 1-based): chr17:35,106,446, T>G on the plus strand (A>C on the coding strand, the complement: RAD51D is on the minus strand). VCF-style: chr17-35106446-T-G. GRCh37 (hg19) VCF-style: chr17-33433465-T-G.
Other names: c.576A>C, p.Ala192= (NM_001142571.2); c.180A>C, p.Ala60= (NM_133629.3).
Identifiers: ClinVar variation 1993930 (VCV001993930.5), dbSNP rs2142429380, ClinGen allele CA499731597.